The following is an entry in ClinVar:

ClinVar aggregate classification (germline): Pathogenic (1 of 4 stars; one submission).

Conditions:
Nephronophthisis. Also called: Juvenile Nephronophthisis. Identifiers: Orphanet 655, MedGen C0687120, MONDO:0019005, HP:0000090.

Submission:

Labcorp Genetics (formerly Invitae), Labcorp
Classification: Pathogenic for Nephronophthisis. Last evaluated: 2023-06-20. Review status: criteria provided, single submitter. Criteria: Invitae Variant Classification Sherloc (09022015). Collection method: clinical testing. Allele origin: germline.
Comment: For these reasons, this variant has been classified as Pathogenic. This variant has not been reported in the literature in individuals affected with NPHP4-related conditions. This variant is not present in population databases (gnomAD no frequency). This sequence change creates a premature translational stop signal (p.Val1170Serfs*13) in the NPHP4 gene. It is expected to result in an absent or disrupted protein product. Loss-of-function variants in NPHP4 are known to be pathogenic (PMID: 12205563, 23559409).

Literature cited by the submitters: PubMed 12205563; PubMed 23559409.

NM_015102.5(NPHP4):c.3506dup (p.Val1170fs)

Gene: NPHP4 (nephrocystin 4; minus strand). Cytogenetic location: 1p36.31.
Variant type: Duplication.
Coding change: c.3506dup on transcript NM_015102.5 (MANE Select); coding-DNA position 3506, one base duplicated (C; older notation c.3506dupC).
Protein change: p.Val1170fs; shifts the reading frame from valine 1170.
Molecular consequence: frameshift variant. On other transcripts: non-coding transcript variant (1).
Genome position (GRCh38, 1-based): chr1:5,867,082, G duplicated on the plus strand (C on the coding strand, the reverse complement: NPHP4 is on the minus strand); the first of 6 consecutive G bases (chr1:5,867,082-5,867,087); duplicating any one gives the same sequence. VCF-style (leftmost placement, unchanged base first): chr1-5867081-T-TG. GRCh37 (hg19) VCF-style: chr1-5927141-T-TG.
Other names: c.1967dup, p.Val657fs (NM_001291593.2); c.1970dup, p.Val658fs (NM_001291594.2); short protein forms V1170fs, V658fs, V657fs.
Identifiers: ClinVar variation 2797370 (VCV002797370.3), dbSNP rs775221217, ClinGen allele CA520737968.